The following is an entry in ClinVar:

NM_183050.4(BCKDHB):c.1175A>G (p.Tyr392Cys)

Gene: BCKDHB (branched chain keto acid dehydrogenase E1 subunit beta; plus strand). Cytogenetic location: 6q14.1.
Variant type: single nucleotide variant.
Coding change: c.1175A>G on transcript NM_183050.4 (MANE Select); coding-DNA position 1175, A replaced by G.
Protein change: p.Tyr392Cys; replaces tyrosine 392 with cysteine.
Molecular consequence: missense variant. On other transcripts: non-coding transcript variant (1).
Genome position (GRCh38, 1-based): chr6:80,343,800, A>G. VCF-style: chr6-80343800-A-G. GRCh37 (hg19) VCF-style: chr6-81053517-A-G.
Other names: c.1175A>G, p.Tyr392Cys (NM_000056.5); c.965A>G, p.Tyr322Cys (NM_001318975.1); c.1175A>G (NM_183050.2); short protein forms Y322C, Y392C.
Identifiers: ClinVar variation 2159309 (VCV002159309.2), dbSNP rs547806898, ClinGen allele CA3902863.

ClinVar aggregate classification (germline): Uncertain significance. Review status: criteria provided, multiple submitters, no conflicts (2 of 4 stars). 2 submissions from 2 submitters: Uncertain significance (2). Last evaluated 2023-11-21.

Conditions:
Inborn genetic diseases. Identifiers: MedGen C0950123, MeSH D030342.
Maple syrup urine disease (MSUD). Identifiers: Orphanet 511, MedGen C0024776, MeSH D008375, MONDO:0009563. Disease mechanism: loss of function.

Allele frequency attached by ClinVar (database versions not stated): ExAC 0.00002; gnomAD 0.00007; TOPMed 0.00010; 1000 Genomes Project 30x 0.00016; 1000 Genomes Project 0.00020.
gnomAD v4.1: 27 of 1,613,894 alleles (0.0017%); highest among the groups gnomAD compares: Admixed American, 0.023%; no homozygotes.

Submissions (2):

Ambry Genetics
Classification: Uncertain significance for Inborn genetic diseases. Last evaluated: 2023-11-21. Review status: criteria provided, single submitter. Criteria: Ambry Variant Classification Scheme 2023. Collection method: clinical testing. Allele origin: germline.

Labcorp Genetics (formerly Invitae), Labcorp
Classification: Uncertain significance for Maple syrup urine disease. Last evaluated: 2022-03-04. Review status: criteria provided, single submitter. Criteria: Invitae Variant Classification Sherloc (09022015). Collection method: clinical testing. Allele origin: germline.
Comment: This sequence change replaces tyrosine, which is neutral and polar, with cysteine, which is neutral and slightly polar, at codon 392 of the BCKDHB protein (p.Tyr392Cys). This variant is present in population databases (rs547806898, gnomAD 0.003%). This variant has not been reported in the literature in individuals affected with BCKDHB-related conditions. Algorithms developed to predict the effect of missense changes on protein structure and function are either unavailable or do not agree on the potential impact of this missense change (SIFT: "Deleterious"; PolyPhen-2: "Probably Damaging"; Align-GVGD: "Class C0"). In summary, the available evidence is currently insufficient to determine the role of this variant in disease. Therefore, it has been classified as a Variant of Uncertain Significance.